The following is an entry in ClinVar:

NM_139057.4(ADAMTS17):c.2901C>T (p.Cys967=)

Gene: ADAMTS17 (ADAM metallopeptidase with thrombospondin type 1 motif 17; minus strand). Cytogenetic location: 15q26.3.
Variant type: single nucleotide variant.
Coding change: c.2901C>T on transcript NM_139057.4 (MANE Select); coding-DNA position 2901, C replaced by T.
Protein change: p.Cys967=; no amino-acid change (cysteine 967 retained).
Molecular consequence: synonymous variant.
Genome position (GRCh38, 1-based): chr15:99,993,096, G>A on the plus strand (C>T on the coding strand, the complement: ADAMTS17 is on the minus strand). VCF-style: chr15-99993096-G-A. GRCh37 (hg19) VCF-style: chr15-100533301-G-A.
Other names: p.Cys967=.
Identifiers: ClinVar variation 712175 (VCV000712175.16), dbSNP rs140384823, ClinGen allele CA7757537.

ClinVar aggregate classification (germline): Benign/Likely benign. Review status: criteria provided, multiple submitters, no conflicts (2 of 4 stars). 5 submissions from 5 submitters: Benign (4); Likely benign (1). Last evaluated 2026-01-25.

Conditions:
Weill-Marchesani 4 syndrome, recessive. Also called: Weill-Marchesani syndrome 4. Identifiers: Orphanet 363992, MedGen C2750787, MONDO:0013176, OMIM 613195.

Allele frequency attached by ClinVar (database versions not stated): gnomAD exomes 0.00032 and 0.00090; ExAC 0.00105; gnomAD 0.00363 and 0.00385; 1000 Genomes Project 0.00379; TOPMed 0.00411; 1000 Genomes Project 30x 0.00437; ESP Exome Variant Server 0.00461.
gnomAD v4.1: 1,052 of 1,614,096 alleles (0.065%); highest among the groups gnomAD compares: African/African-American, 1.2%; 9 homozygotes.

Submissions (5):

Labcorp Genetics (formerly Invitae), Labcorp
Classification: Benign. Last evaluated: 2026-01-25. Review status: criteria provided, single submitter. Criteria: Invitae Variant Classification Sherloc (09022015). Collection method: clinical testing. Allele origin: germline.

Mayo Clinic Laboratories, Mayo Clinic
Classification: Benign. Last evaluated: 2025-06-24. Review status: criteria provided, single submitter. Criteria: ACMG Guidelines, 2015. Collection method: clinical testing. Allele origin: germline. Observed: 2 variant alleles.
Comment: BS1, BS2, BP4, BP7

Blueprint Genetics
Classification: Likely benign. Last evaluated: 2024-08-28. Review status: criteria provided, single submitter. Criteria: ACMG Guidelines, 2015. Collection method: clinical testing. Allele origin: germline.

Illumina Laboratory Services, Illumina
Classification: Benign for Weill-Marchesani 4 syndrome, recessive. Last evaluated: 2018-01-13. Review status: criteria provided, single submitter. Criteria: ICSL Variant Classification Criteria 13 December 2019. Collection method: clinical testing. Allele origin: germline.
Comment: This variant was observed in the ICSL laboratory as part of a predisposition screen in an ostensibly healthy population. It had not been previously curated by ICSL or reported in the Human Gene Mutation Database (HGMD: prior to June 1st, 2018), and was therefore a candidate for classification through an automated scoring system. Utilizing variant allele frequency, disease prevalence and penetrance estimates, and inheritance mode, an automated score was calculated to assess if this variant is too frequent to cause the disease. Based on the score and internal cut-off values, a variant classified as benign is not then subjected to further curation. The score for this variant resulted in a classification of benign for this disease.

Breakthrough Genomics
Classification: Benign. Review status: criteria provided, single submitter. Criteria: ACMG Guidelines, 2015. Collection method: not provided. Allele origin: germline. Inheritance: Autosomal recessive inheritance. Affected: yes.